The following is an entry in ClinVar:

NM_001868.4(CPA1):c.754G>C (p.Asp252His)

Gene: CPA1 (carboxypeptidase A1; plus strand). Cytogenetic location: 7q32.2.
Variant type: single nucleotide variant.
Coding change: c.754G>C on transcript NM_001868.4 (MANE Select); coding-DNA position 754, G replaced by C.
Protein change: p.Asp252His; replaces aspartic acid 252 with histidine.
Molecular consequence: missense variant.
Genome position (GRCh38, 1-based): chr7:130,384,593, G>C. VCF-style: chr7-130384593-G-C. GRCh37 (hg19) VCF-style: chr7-130024434-G-C.
Other names: short protein forms D252H.
Identifiers: ClinVar variation 1759482 (VCV001759482.3), dbSNP rs2536010975, ClinGen allele CA369282997.

ClinVar aggregate classification (germline): Uncertain significance (1 of 4 stars; one submission).

Conditions:
Hereditary pancreatitis (PCTT). Also called: Hereditary chronic pancreatitis; PRSS1-Related Hereditary Pancreatitis. Identifiers: Orphanet 676, MedGen C0238339, MONDO:0008185, OMIM 167800.

Allele frequency attached by ClinVar (database versions not stated): gnomAD exomes below 0.00001.

Submission:

Ambry Genetics
Classification: Uncertain significance for Hereditary pancreatitis. Last evaluated: 2024-12-16. Review status: criteria provided, single submitter. Criteria: Ambry Variant Classification Scheme 2023. Collection method: clinical testing. Allele origin: germline.
Comment: The p.D252H variant (also known as c.754G>C), located in coding exon 7 of the CPA1 gene, results from a G to C substitution at nucleotide position 754. The aspartic acid at codon 252 is replaced by histidine, an amino acid with similar properties. This amino acid position is conserved. In addition, this alteration is predicted to be deleterious by in silico analysis. Since supporting evidence is limited at this time, the clinical significance of this alteration remains unclear.